The following is an entry in ClinVar:

ClinVar aggregate classification (germline): Uncertain significance. Review status: criteria provided, multiple submitters, no conflicts (2 of 4 stars). 3 submissions from 3 submitters: Uncertain significance (2). 1 of the submissions does not count toward it. Last evaluated 2024-09-25.

Conditions:
Familial dysautonomia. Also called: HSAN III; FD. Identifiers: Orphanet 1764, MedGen C0013364, MONDO:0009131, OMIM 223900. Disease mechanism: loss of function.
Medulloblastoma (MDB). Also called: MEDULLOBLASTOMA PREDISPOSITION SYNDROME; Medulloblastoma, somatic. Identifiers: Orphanet 616, MedGen C0025149, MeSH D008527, MONDO:0007959, OMIM 155255, HP:0002885.

Allele frequency attached by ClinVar (database versions not stated): gnomAD 0.00001 and 0.00002; TOPMed 0.00002; gnomAD exomes 0.00004 and 0.00008; ExAC 0.00007; 1000 Genomes Project 30x 0.00031; 1000 Genomes Project 0.00040.
gnomAD v4.1: 52 of 1,614,152 alleles (0.0032%); highest among the groups gnomAD compares: East Asian, 0.11%; no homozygotes.

Submissions (3):

Labcorp Genetics (formerly Invitae), Labcorp
Classification: Uncertain significance. Last evaluated: 2024-09-25. Review status: criteria provided, single submitter. Criteria: Invitae Variant Classification Sherloc (09022015). Collection method: clinical testing. Allele origin: germline.
Comment: This sequence change replaces valine, which is neutral and non-polar, with leucine, which is neutral and non-polar, at codon 354 of the ELP1 protein (p.Val354Leu). This variant is present in population databases (rs187183483, gnomAD 0.06%). This variant has not been reported in the literature in individuals affected with ELP1-related conditions. ClinVar contains an entry for this variant (Variation ID: 641976). Invitae Evidence Modeling of protein sequence and biophysical properties (such as structural, functional, and spatial information, amino acid conservation, physicochemical variation, residue mobility, and thermodynamic stability) indicates that this missense variant is not expected to disrupt ELP1 protein function with a negative predictive value of 80%. In summary, the available evidence is currently insufficient to determine the role of this variant in disease. Therefore, it has been classified as a Variant of Uncertain Significance.

Fulgent Genetics
Classification: Uncertain significance for Medulloblastoma; Familial dysautonomia. Last evaluated: 2024-03-05. Review status: criteria provided, single submitter. Criteria: ACMG Guidelines, 2015. Collection method: clinical testing. Allele origin: germline.

Natera, Inc.
Classification: Uncertain significance for Hereditary sensory and autonomic neuropathy type III. Last evaluated: 2020-01-17. Review status: no assertion criteria provided. Collection method: clinical testing. Allele origin: germline. Not counted in ClinVar's aggregate classification.

NM_003640.5(ELP1):c.1060G>T (p.Val354Leu)

Gene: ELP1 (elongator acetyltransferase complex subunit 1; minus strand). Cytogenetic location: 9q31.3.
Variant type: single nucleotide variant.
Coding change: c.1060G>T on transcript NM_003640.5 (MANE Select); coding-DNA position 1060, G replaced by T.
Protein change: p.Val354Leu; replaces valine 354 with leucine.
Molecular consequence: missense variant.
Genome position (GRCh38, 1-based): chr9:108,912,393, C>A on the plus strand (G>T on the coding strand, the complement: ELP1 is on the minus strand). VCF-style: chr9-108912393-C-A. GRCh37 (hg19) VCF-style: chr9-111674673-C-A.
Other names: c.1060G>T (LRG_251t1); c.718G>T, p.Val240Leu (NM_001318360.2); c.13G>T, p.Val5Leu (NM_001330749.2); short protein forms V354L, V240L, V5L.
Identifiers: ClinVar variation 641976 (VCV000641976.7), dbSNP rs187183483, ClinGen allele CA5175138.